The following is an entry in ClinVar:

NM_020937.4(FANCM):c.3242G>A (p.Cys1081Tyr)

Gene: FANCM (FA complementation group M; plus strand). Cytogenetic location: 14q21.2.
Variant type: single nucleotide variant.
Coding change: c.3242G>A on transcript NM_020937.4 (MANE Select); coding-DNA position 3242, G replaced by A.
Protein change: p.Cys1081Tyr; replaces cysteine 1081 with tyrosine.
Molecular consequence: missense variant.
Genome position (GRCh38, 1-based): chr14:45,175,996, G>A. VCF-style: chr14-45175996-G-A. GRCh37 (hg19) VCF-style: chr14-45645199-G-A.
Other names: c.3164G>A, p.Cys1055Tyr (NM_001308133.2); c.3242G>A (NM_020937.2); short protein forms C1081Y, C1055Y.
Identifiers: ClinVar variation 1396789 (VCV001396789.7), dbSNP rs1273042421, ClinGen allele CA389600527.

ClinVar aggregate classification (germline): Uncertain significance. Review status: criteria provided, multiple submitters, no conflicts (2 of 4 stars). 2 submissions from 2 submitters: Uncertain significance (2). Last evaluated 2026-03-15.

Conditions:
Fanconi anemia (FA). Also called: Fanconi's anemia. Identifiers: Orphanet 84, MedGen C0015625, MeSH D005199, MONDO:0019391.
Inborn genetic diseases. Identifiers: MedGen C0950123, MeSH D030342.

Allele frequency attached by ClinVar (database versions not stated): TOPMed below 0.00001.

Submissions (2):

Ambry Genetics
Classification: Uncertain significance for Inborn genetic diseases. Last evaluated: 2026-03-15. Review status: criteria provided, single submitter. Criteria: Ambry Variant Classification Scheme 2023. Collection method: clinical testing. Allele origin: germline.
Comment: The p.C1081Y variant (also known as c.3242G>A), located in coding exon 14 of the FANCM gene, results from a G to A substitution at nucleotide position 3242. The cysteine at codon 1081 is replaced by tyrosine, an amino acid with highly dissimilar properties. This amino acid position is conserved. In addition, this alteration is predicted to be tolerated by in silico analysis. Based on the available evidence, the clinical significance of this variant remains unclear.

Labcorp Genetics (formerly Invitae), Labcorp
Classification: Uncertain significance for Fanconi anemia. Last evaluated: 2021-12-11. Review status: criteria provided, single submitter. Criteria: Invitae Variant Classification Sherloc (09022015). Collection method: clinical testing. Allele origin: germline.
Comment: This variant is not present in population databases (gnomAD no frequency). In summary, the available evidence is currently insufficient to determine the role of this variant in disease. Therefore, it has been classified as a Variant of Uncertain Significance. Algorithms developed to predict the effect of missense changes on protein structure and function output the following: SIFT: "Tolerated"; PolyPhen-2: "Benign"; Align-GVGD: "Class C0". The tyrosine amino acid residue is found in multiple mammalian species, which suggests that this missense change does not adversely affect protein function. This variant has not been reported in the literature in individuals affected with FANCM-related conditions. This sequence change replaces cysteine, which is neutral and slightly polar, with tyrosine, which is neutral and polar, at codon 1081 of the FANCM protein (p.Cys1081Tyr).